The following is an entry in ClinVar:

ClinVar aggregate classification (germline): Benign. Review status: criteria provided, multiple submitters, no conflicts (2 of 4 stars). 2 submissions from 2 submitters: Benign (2). Last evaluated 2013-12-09.

Allele frequency attached by ClinVar (database versions not stated): 1000 Genomes Project 30x 0.03264; TOPMed 0.02689; 1000 Genomes Project 0.03015.
gnomAD v4.1: 7,392 of 1,606,566 alleles (0.46%); highest among the groups gnomAD compares: African/African-American, 8.7%; 294 homozygotes.

Submissions (2):

GeneDx
Classification: Benign. Last evaluated: 2013-12-09. Review status: criteria provided, single submitter. Criteria: GeneDx Variant Classification (06012015). Collection method: clinical testing. Allele origin: germline. Affected: yes.
Comment: This variant is considered likely benign or benign based on one or more of the following criteria: it is a conservative change, it occurs at a poorly conserved position in the protein, it is predicted to be benign by multiple in silico algorithms, and/or has population frequency not consistent with disease.

Breakthrough Genomics
Classification: Benign. Review status: criteria provided, single submitter. Criteria: ACMG Guidelines, 2015. Collection method: not provided. Allele origin: germline. Inheritance: Unknown mechanism. Affected: yes.

NM_182476.2(COQ6):c.-254T>G

Genes: COQ6 (coenzyme Q6, monooxygenase; plus strand), FAM161B (FAM161 centrosomal protein B; minus strand). Cytogenetic location: 14q24.3.
Variant type: single nucleotide variant.
Coding change: c.-254T>G on transcript NM_182476.2; 254 bases upstream of the start codon, T replaced by G.
Molecular consequence: 5 prime UTR variant (on NM_152445.3).
Genome position (GRCh38, 1-based): chr14:73,950,079, T>G. VCF-style: chr14-73950079-T-G. GRCh37 (hg19) VCF-style: chr14-74416782-T-G.
Other names: c.-53A>C (NM_152445.3); c.-14T>G (NM_001425258.1, NM_182480.3); c.-105T>G (NM_001425259.1, NM_001425261.1).
Identifiers: ClinVar variation 136984 (VCV000136984.4), dbSNP rs190881382, ClinGen allele CA290439.